The following is an entry in ClinVar:

NM_007294.4(BRCA1):c.5228G>A (p.Gly1743Glu)

Gene: BRCA1 (BRCA1 DNA repair associated; minus strand). Cytogenetic location: 17q21.31.
Variant type: single nucleotide variant.
Coding change: c.5228G>A on transcript NM_007294.4 (MANE Select); coding-DNA position 5228, G replaced by A.
Protein change: p.Gly1743Glu; replaces glycine 1743 with glutamic acid.
Molecular consequence: missense variant. On other transcripts: non-coding transcript variant (1).
Genome position (GRCh38, 1-based): chr17:43,057,101, C>T on the plus strand (G>A on the coding strand, the complement: BRCA1 is on the minus strand). VCF-style: chr17-43057101-C-T. GRCh37 (hg19) VCF-style: chr17-41209118-C-T.
Other names: c.5015G>A, p.Gly1672Glu (NM_001407571.1, NM_001407900.1, NM_001407902.1 and 12 more transcripts); c.5294G>A, p.Gly1765Glu (NM_001407581.1, NM_001407582.1); c.5291G>A, p.Gly1764Glu (NM_001407583.1, NM_001407585.1, NM_001407587.1 and 1 more transcripts); c.5225G>A, p.Gly1742Glu (NM_001407610.1, NM_001407611.1, NM_001407612.1 and 17 more transcripts); c.5222G>A, p.Gly1741Glu (NM_001407629.1, NM_001407630.1, NM_001407631.1 and 14 more transcripts); c.5168G>A, p.Gly1723Glu (NM_001407649.1); c.5150G>A, p.Gly1717Glu (NM_001407652.1, NM_001407653.1, NM_001407654.1 and 1 more transcripts); c.5147G>A, p.Gly1716Glu (NM_001407656.1, NM_001407657.1, NM_001407658.1); and 72 more; short protein forms G1743E, G1696E, G1764E, G639E, G1447E, G1574E, G1630E, G1632E.
Identifiers: ClinVar variation 867253 (VCV000867253.6), dbSNP rs1346819781, ClinGen allele CA10591087.

ClinVar aggregate classification (germline): Likely pathogenic. Review status: criteria provided, multiple submitters, no conflicts (2 of 4 stars). 3 submissions from 3 submitters: Likely pathogenic (3). Last evaluated 2026-01-13.

Conditions:
Breast-ovarian cancer, familial, susceptibility to, 1 (BROVCA1). Also called: BRCA1 Hereditary Breast and Ovarian Cancer; OVARIAN CANCER, SUSCEPTIBILITY TO. Identifiers: Orphanet 145, MedGen C2676676, MONDO:0011450, OMIM 604370. Disease mechanism: loss of function.
Hereditary breast ovarian cancer syndrome. Also called: Hereditary breast and/or ovarian cancer syndrome; BRCA1- and BRCA2-Associated Hereditary Breast and Ovarian Cancer; Hereditary breast and ovarian cancer syndrome; Hereditary breast and ovarian cancer; Hereditary breast and ovarian cancer syndrome (HBOC); Breast and ovarian cancer. Identifiers: Orphanet 145, MedGen C0677776, MeSH D061325, MONDO:0003582. Disease mechanism: loss of function.
Hereditary cancer-predisposing syndrome. Also called: Tumor predisposition; Hereditary Cancer Syndrome; Hereditary neoplastic syndrome; Neoplastic Syndromes, Hereditary. Identifiers: Orphanet 140162, MedGen C0027672, MeSH D009386, MONDO:0015356.

Submissions (4):

Ambry Genetics
Classification: Likely pathogenic for Hereditary cancer-predisposing syndrome. Last evaluated: 2026-01-13. Review status: criteria provided, single submitter. Criteria: Ambry Variant Classification Scheme 2023. Collection method: clinical testing. Allele origin: germline.
Comment: The c.5228G>A (p.G1743E) alteration is located in exon 19 (coding exon 18) of the BRCA1 gene. This alteration results from a G to A substitution at nucleotide position 5228, causing the glycine (G) at amino acid position 1743 to be replaced by a glutamic acid (E). This variant was not reported in population-based cohorts in the Genome Aggregation Database (gnomAD). One functional study found that this nucleotide substitution is non-functional in a high throughput genome editing haploid cell survival assay (Findlay, 2018). This amino acid position is highly conserved in available vertebrate species. This alteration is predicted to be deleterious by in silico analysis. Based on the available evidence, this alteration is classified as likely pathogenic.

Institute of Human Genetics, Heidelberg University
Classification: Likely pathogenic for Breast-ovarian cancer, familial, susceptibility to, 1. Last evaluated: 2025-12-17. Review status: criteria provided, single submitter. Criteria: ACMG Guidelines, 2015. Collection method: clinical testing. Allele origin: paternal. Observed: 2 variant alleles.
Comment: PS3, PM2_supp, PP3

German Consortium for Hereditary Breast and Ovarian Cancer, University Hospital Cologne
Classification: Likely pathogenic for Hereditary breast ovarian cancer syndrome. Last evaluated: 2024-01-09. Review status: criteria provided, single submitter. Criteria: ClinGen BRCA1 V1.0.0. Collection method: curation. Allele origin: germline.
Comment: . According to the ClinGen ENIGMA BRCA1 v1.0.0 criteria we chose these criteria: PS3 (strong pathogenic): Reported by three calibrated studies to affect protein function similar to pathogenic control variants (PMIDs:30209399, 32546644, 30765603) (PS3 met)., PM2 (supporting pathogenic): Absent from gnomAD, PP3 (supporting pathogenic): CADD:27.7 REVEL: 0.773 HCI prior:0.81 BayesDEL:0.360228 spliceAI:BRCA1:0.0

Brotman Baty Institute, University of Washington
No classification provided (evidence only). Condition: Breast-ovarian cancer, familial 1. Review status: no classification provided. Collection method: in vitro. Allele origin: not applicable. Functional consequence: functionally_abnormal. Not counted in ClinVar's aggregate classification.
ClinVar note: "not provided" was previously submitted as the classification for the variant. However, the classification appeared to be based only on an observation of functional data so it was converted to no classification on 2025-07-30.

Literature cited by the submitters: PubMed 30209399 (cited by Ambry Genetics).